The following is an entry in ClinVar:

ClinVar aggregate classification (germline): drug response (1 of 4 stars; one submission).

Conditions:
Mercaptopurine response. Also called: 6-Mercaptopurine response; Purinethol response. Identifiers: MedGen CN077995.

Submission:

Medical Genetics Summaries
Classification: drug response for Mercaptopurine response. Last evaluated: 2026-04-11. Review status: criteria provided, single submitter. Criteria: Pratt et al. (J Mol Diagn. 2022). Collection method: curation. Allele origin: germline. Affected: yes.
Comment: Individuals with two reduced or no function alleles of TMPT or NUDT15 or both are at high risk of adverse reaction to mercaptopurine (used to treat ALL, IBD) when used at standard doses.

Literature cited by the submitters: PubMed 41618934.

NM_000367.5(TPMT):c.2T>C (p.Met1Thr)

Gene: TPMT (thiopurine S-methyltransferase; minus strand). Cytogenetic location: 6p22.3.
Variant type: single nucleotide variant.
Coding change: c.2T>C on transcript NM_000367.5 (MANE Select); coding-DNA position 2, T replaced by C.
Protein change: p.Met1Thr; changes the start codon (methionine 1).
Molecular consequence: missense variant, initiator codon variant.
Genome position (GRCh38, 1-based): chr6:18,149,126, A>G on the plus strand (T>C on the coding strand, the complement: TPMT is on the minus strand). VCF-style: chr6-18149126-A-G. GRCh37 (hg19) VCF-style: chr6-18149357-A-G.
Other names: c.2T>C, p.Met1Thr (NM_001346817.1, NM_001346818.1); short protein forms M1T.
Identifiers: ClinVar variation 3366870 (VCV003366870.1), dbSNP rs267607275.